The following is an entry in ClinVar:

NM_005918.4(MDH2):c.426T>G (p.Asn142Lys)

Gene: MDH2 (malate dehydrogenase 2; plus strand). Cytogenetic location: 7q11.23.
Variant type: single nucleotide variant.
Coding change: c.426T>G on transcript NM_005918.4 (MANE Select); coding-DNA position 426, T replaced by G.
Protein change: p.Asn142Lys; replaces asparagine 142 with lysine.
Molecular consequence: missense variant.
Genome position (GRCh38, 1-based): chr7:76,058,075, T>G. VCF-style: chr7-76058075-T-G. GRCh37 (hg19) VCF-style: chr7-75687393-T-G.
Other names: c.426T>G, p.Asn142Lys (NM_001282403.2); c.105T>G, p.Asn35Lys (NM_001282404.2); short protein forms N142K, N35K.
Identifiers: ClinVar variation 3225191 (VCV003225191.1), dbSNP rs1554586538, ClinGen allele CA367764540.

ClinVar aggregate classification (germline): Uncertain significance (1 of 4 stars; one submission).

Conditions:
Inborn genetic diseases. Identifiers: MedGen C0950123, MeSH D030342.

gnomAD v4.1: 9 of 1,612,160 alleles (0.00056%); highest among the groups gnomAD compares: Non-Finnish European, 0.00076%; no homozygotes.

Submission:

Ambry Genetics
Classification: Uncertain significance for Inborn genetic diseases. Last evaluated: 2023-02-23. Review status: criteria provided, single submitter. Criteria: Ambry Variant Classification Scheme 2023. Collection method: clinical testing. Allele origin: germline.
Comment: The p.N142K variant (also known as c.426T>G), located in coding exon 4 of the MDH2 gene, results from a T to G substitution at nucleotide position 426. The asparagine at codon 142 is replaced by lysine, an amino acid with similar properties. This amino acid position is conserved. In addition, the in silico prediction for this alteration is inconclusive. Since supporting evidence is limited at this time, the clinical significance of this alteration remains unclear.